The following is an entry in ClinVar:

ClinVar aggregate classification (germline): Uncertain significance (1 of 4 stars; one submission).

Submission:

GeneDx
Classification: Uncertain significance. Last evaluated: 2024-11-21. Review status: criteria provided, single submitter. Criteria: GeneDx Variant Classification Process June 2021. Collection method: clinical testing. Allele origin: germline. Affected: yes.
Comment: Frameshift variant predicted to result in abnormal protein length as the last 128 amino acids are replaced with 119 different amino acids; Has not been previously published as pathogenic or benign to our knowledge; Not observed at significant frequency in large population cohorts (gnomAD)

NM_001393504.1(MAST3):c.3657del (p.Ser1220fs)

Gene: MAST3 (microtubule associated serine/threonine kinase 3; plus strand). Cytogenetic location: 19p13.11.
Variant type: Deletion.
Coding change: c.3657del on transcript NM_001393504.1 (MANE Select); coding-DNA position 3657, one base deleted (C; older notation c.3657delC).
Protein change: p.Ser1220fs; shifts the reading frame from serine 1220.
Molecular consequence: frameshift variant.
Genome position (GRCh38, 1-based): chr19:18,149,339, C deleted; the last of 2 consecutive C bases (chr19:18,149,338-18,149,339); deleting either gives the same sequence. VCF-style (leftmost placement, unchanged base first): chr19-18149337-AC-A. GRCh37 (hg19) VCF-style: chr19-18260147-AC-A.
Other names: c.3681del, p.Ser1228fs (NM_001393501.1); c.3660del, p.Ser1221fs (NM_001393502.1); c.3657del, p.Ser1220fs (NM_001393503.1); c.3627del, p.Ser1210fs (NM_001393505.1); c.3609del, p.Ser1204fs (NM_001393506.1, NM_001393507.1); c.3591del, p.Ser1198fs (NM_001393508.1); c.3588del, p.Ser1197fs (NM_001393509.1, NM_001393510.1); c.3585del, p.Ser1196fs (NM_001393511.1, NM_001393512.1); and 9 more; short protein forms S1173fs, S1181fs, S1182fs, S1187fs, S1188fs, S1189fs, S1190fs, S1191fs.
Identifiers: ClinVar variation 3900066 (VCV003900066.1).
Genomic context (GRCh38, chr19:18,149,337, plus strand): 5'-CTGCACGGCCTGGCTGCCAAGCTTGGGCCACCCCGCCCCAAGACTGGCCGCCGCAAGTCC[AC>A]CAGCAGCATCCCGCCCTCCCCGCTGGCCTGCCCGCCCATCTCCGCGCCCCCACCCCGCTC-3'